The following is an entry in ClinVar:

ClinVar aggregate classification (germline): Conflicting classifications of pathogenicity. Review status: criteria provided, conflicting classifications (1 of 4 stars). 9 submissions from 9 submitters: Pathogenic (1); Likely pathogenic (4); Uncertain significance (3). 1 of the submissions does not count toward it. Last evaluated 2025-05-07.

Conditions:
Inborn genetic diseases. Identifiers: MedGen C0950123, MeSH D030342.
Cerebral arteriopathy, autosomal dominant, with subcortical infarcts and leukoencephalopathy, type 1 (CADASIL1). Also called: DEMENTIA, HEREDITARY MULTIINFARCT TYPE; CASIL; Cerebral arteriopathy with subcortical infarcts and leukoencephalopathy 1; CADASIL 1. Identifiers: Orphanet 136, MedGen C4551768, MONDO:0000914, OMIM 125310.
NOTCH3-related disorder. Also called: NOTCH3-related condition; NOTCH3-related disorders.
Vascular dementia. Identifiers: MedGen C0011269, MeSH D015140, MONDO:0004648.

Allele frequency attached by ClinVar (database versions not stated): ExAC 0.00003; TOPMed 0.00003; gnomAD 0.00004 and 0.00005; 1000 Genomes Project 30x 0.00016; ESP Exome Variant Server 0.00016; 1000 Genomes Project 0.00020.

Submissions (9):

PreventionGenetics, part of Exact Sciences
Classification: Likely pathogenic for NOTCH3-related condition. Last evaluated: 2025-05-07. Review status: criteria provided, single submitter. Criteria: ACMG Guidelines, 2015. Collection method: clinical testing. Allele origin: germline.
Comment: The NOTCH3 c.2149C>T variant is predicted to result in the amino acid substitution p.Arg717Cys. This variant was reported in multiple individuals with CADASIL (Ni et al. 2022. PubMed ID: 35822697; Supplementary Table 3, Uemura et al. 2022. PubMed ID: 36261288; Supplementary Table 23, Cheng et al. 2023. PubMed ID: 37479695). This variant is reported in 0.015% of alleles in individuals of East Asian descent in gnomAD. Most CADASIL causing variants in the NOTCH3 gene result in the gain or loss of one or more cysteine residues in the extracellular domain of the protein, as seen in this patient. This patient’s variant alters a cysteine residue and is located in the extracellular EGF-like domain 18. Pathogenic variants in EGF-like domains 1-6 appear to be fully penetrant and are usually associated with the classical CADASIL phenotype. However, there is variability in disease severity. Pathogenic variants in EGF-like domains 7-34 have a much higher population frequency, and can predispose to a milder small-vessel disease, possibly even displaying incomplete or at least very late onset complete penetrance (OMIM #125310; Rutten et al. 2016. PubMed ID: 27844030; Rutten et al. 2019. PubMed ID: 30032161). This variant is interpreted as likely pathogenic.

Victorian Clinical Genetics Services, Murdoch Childrens Research Institute
Classification: Likely pathogenic for Cerebral arteriopathy, autosomal dominant, with subcortical infarcts and leukoencephalopathy, type 1. Last evaluated: 2024-12-02. Review status: criteria provided, single submitter. Criteria: ACMG Guidelines, 2015. Collection method: clinical testing. Allele origin: germline. Affected: yes.
Comment: This variant is classified as Likely pathogenic. Evidence in support of pathogenic classification: Variant is present in gnomAD <0.001 for a dominant condition (v4: 44 heterozygote(s), 0 homozygote(s)); This variant has strong previous evidence of pathogenicity in unrelated individuals. It has been classified as likely pathogenic by multiple clinical laboratories, as well as VUS entries (ClinVar). This variant has also been reported in multiple unrelated individuals with CADASIL (PMID: 26308724, 34841502, 33268848, 35822697, 33310205), and in an ischemic stroke cohort with no further phenotypic information (PMID: 37479695). Additional information: Variant is predicted to result in a missense amino acid change from arginine to cysteine; This variant is heterozygous; This gene is associated with autosomal dominant disease; Multiple alternative amino acid changes at the same position have been observed in gnomAD (v4; highest allele change: 34 heterozygote(s), 0 homozygote(s)); No segregation evidence has been identified for this variant; Another missense variant(s) comparable to the one identified in this case has inconclusive previous evidence for pathogenicity. The p.(Arg717His) variant has been classified as a VUS in ClinVar; Variant is located in the annotated human growth factor-like EGF domain (DECIPHER); Missense variant with conflicting in silico predictions and uninformative conservation; The mechanism of disease for this gene is not clearly established. Both loss of function and dominant negative have been suggested as mechanisms in CADASIL (MIM#125310), however lateral meningocele syndrome (MIM#130720) has been shown to result from a gain of function disease mechanism (OMIM); Variants in this gene are known to have variable expressivity. The p.(Arg544Cys) variant is associated with a later age of onset and milder clinical features compared to other NOTCH3 variants (PMID: 20301673, 26308724) - Inheritance information for this variant is not currently available in this individual.

Blueprint Genetics
Classification: Uncertain significance. Last evaluated: 2024-11-25. Review status: criteria provided, single submitter. Criteria: ACMG Guidelines, 2015. Collection method: clinical testing. Allele origin: germline.

Mayo Clinic Laboratories, Mayo Clinic
Classification: Likely pathogenic. Last evaluated: 2024-08-06. Review status: criteria provided, single submitter. Criteria: ACMG Guidelines, 2015. Collection method: clinical testing. Allele origin: germline. Observed: 1 variant allele.
Comment: PP2, PP4, PM1, PS4_moderate

Athena Diagnostics
Classification: Uncertain significance. Last evaluated: 2024-02-09. Review status: criteria provided, single submitter. Criteria: Athena Diagnostics Criteria. Collection method: clinical testing. Allele origin: unknown.
Comment: Available data are insufficient to determine the clinical significance of the variant at this time. This variant involves the gain of a cysteine in an epidermal growth factor (EGF)-like repeat domain, and is therefore predicted to severely affect protein function. However, The frequency of this variant in the general population is higher than would generally be expected for pathogenic variants in this gene. This variant has been identified in at least one individual presenting with features of CADASIL (PMID: 26308724, 33310205), yet, it has also been identified in multiple individuals with an alternate explanation for disease (Athena Diagnostics internal data). Greater than 90% of NOTCH3 pathogenic variants associated with CADASIL involve the gain or loss of a cysteine residue within the epidermal growth factor (EGF)-like repeat domain (PMID: 32457593, 20301673).

Labcorp Genetics (formerly Invitae), Labcorp
Classification: Pathogenic. Last evaluated: 2023-10-13. Review status: criteria provided, single submitter. Criteria: Invitae Variant Classification Sherloc (09022015). Collection method: clinical testing. Allele origin: germline.
Comment: This sequence change replaces arginine, which is basic and polar, with cysteine, which is neutral and slightly polar, at codon 717 of the NOTCH3 protein (p.Arg717Cys). This variant is present in population databases (rs144163298, gnomAD 0.01%). This missense change has been observed in individuals with clinical features of NOTCH3-related conditions (PMID: 26308724, 33268848, 33310205, 34841502, 35822697; Invitae). ClinVar contains an entry for this variant (Variation ID: 804628). Advanced modeling of protein sequence and biophysical properties (such as structural, functional, and spatial information, amino acid conservation, physicochemical variation, residue mobility, and thermodynamic stability) performed at Invitae indicates that this missense variant is expected to disrupt NOTCH3 protein function. For these reasons, this variant has been classified as Pathogenic.

CeGaT Center for Human Genetics Tuebingen
Classification: Likely pathogenic. Last evaluated: 2020-10-01. Review status: criteria provided, single submitter. Criteria: CeGaT Center For Human Genetics Tuebingen Variant Classification Criteria Version 2. Collection method: clinical testing. Allele origin: germline. Affected: yes. Observed: 1 variant allele.

Ambry Genetics
Classification: Uncertain significance for Inborn genetic diseases. Last evaluated: 2018-06-19. Review status: criteria provided, single submitter. Criteria: Ambry exome assertion method (8-5-2015). Collection method: clinical testing. Allele origin: germline. Affected: yes. Observed: 1 variant allele.

Myllykangas group, University of Helsinki
Classification: Uncertain significance for Vascular dementia. Last evaluated: 2020-04-01. Review status: no assertion criteria provided. Collection method: research. Allele origin: germline. Affected: yes. Not counted in ClinVar's aggregate classification.

Literature cited by the submitters: PubMed 37479695 (cited by 3 submitters); PubMed 34841502 (cited by 4 submitters); PubMed 33310205 (cited by 4 submitters); PubMed 20301673 (cited by Victorian Clinical Genetics Services, Murdoch Childrens Research Institute); PubMed 26308724 (cited by 5 submitters); PubMed 33268848 (cited by 5 submitters); PubMed 35822697 (cited by 4 submitters); PubMed 27844030 (cited by Mayo Clinic Laboratories, Mayo Clinic and Athena Diagnostics); PubMed 36261288 (cited by Mayo Clinic Laboratories, Mayo Clinic); PubMed 36606642 (cited by Mayo Clinic Laboratories, Mayo Clinic); PubMed 38790158 (cited by Mayo Clinic Laboratories, Mayo Clinic); PubMed 32457593 (cited by Athena Diagnostics); PubMed 32106772 (cited by Athena Diagnostics); PubMed 24840674 (cited by Athena Diagnostics); PubMed 30532056 (cited by Athena Diagnostics); PubMed 30032161 (cited by Athena Diagnostics).

NM_000435.3(NOTCH3):c.2149C>T (p.Arg717Cys)

Gene: NOTCH3 (notch receptor 3; minus strand). Cytogenetic location: 19p13.12.
Variant type: single nucleotide variant.
Coding change: c.2149C>T on transcript NM_000435.3 (MANE Select); coding-DNA position 2149, C replaced by T.
Protein change: p.Arg717Cys; replaces arginine 717 with cysteine.
Molecular consequence: missense variant.
Genome position (GRCh38, 1-based): chr19:15,185,404, G>A on the plus strand (C>T on the coding strand, the complement: NOTCH3 is on the minus strand). VCF-style: chr19-15185404-G-A. GRCh37 (hg19) VCF-style: chr19-15296215-G-A.
Other names: p.Arg717Cys; short protein forms R717C.
Identifiers: ClinVar variation 804628 (VCV000804628.60), dbSNP rs144163298, ClinGen allele CA9263426.